The following is an entry in ClinVar:

NM_001355436.2(SPTB):c.4873C>T (p.Arg1625Ter)

Gene: SPTB (spectrin beta, erythrocytic; minus strand). Cytogenetic location: 14q23.3.
Variant type: single nucleotide variant.
Coding change: c.4873C>T on transcript NM_001355436.2 (MANE Select); coding-DNA position 4873, C replaced by T.
Protein change: p.Arg1625Ter; replaces arginine 1625 with a stop codon.
Molecular consequence: nonsense.
Genome position (GRCh38, 1-based): chr14:64,774,497, G>A on the plus strand (C>T on the coding strand, the complement: SPTB is on the minus strand). VCF-style: chr14-64774497-G-A. GRCh37 (hg19) VCF-style: chr14-65241215-G-A.
Other names: p.Arg1625*; c.4873C>T, p.Arg1625Ter (NM_001024858.4, NM_001355437.2); c.4873C>T (NM_001024858.2); short protein forms R1625*.
Identifiers: ClinVar variation 1453666 (VCV001453666.44), dbSNP rs2139511447, ClinGen allele CA390043296.

ClinVar aggregate classification (germline): Pathogenic. Review status: criteria provided, multiple submitters, no conflicts (2 of 4 stars). 8 submissions from 8 submitters: Pathogenic (7). 1 of the submissions does not count toward it. Last evaluated 2025-03-29.

Conditions:
Hereditary spherocytosis type 2. Also called: SPHEROCYTOSIS, TYPE 2, AUTOSOMAL DOMINANT. Identifiers: Orphanet 822, MedGen C2674219, MONDO:0000913, OMIM 616649.
SPTB-related disorder. Also called: SPTB-Related Disorders; SPTB-related condition.

Submissions (8):

Labcorp Genetics (formerly Invitae), Labcorp
Classification: Pathogenic. Last evaluated: 2025-03-29. Review status: criteria provided, single submitter. Criteria: Invitae Variant Classification Sherloc (09022015). Collection method: clinical testing. Allele origin: germline.
Comment: This sequence change creates a premature translational stop signal (p.Arg1625*) in the SPTB gene. It is expected to result in an absent or disrupted protein product. Loss-of-function variants in SPTB are known to be pathogenic (PMID: 1391962, 1498324, 8844207, 26830532, 27292444). This variant is not present in population databases (gnomAD no frequency). This premature translational stop signal has been observed in individual(s) with hereditary spherocytosis (PMID: 27292444, 28102861, 31122244, 31126250). ClinVar contains an entry for this variant (Variation ID: 1453666). For these reasons, this variant has been classified as Pathogenic.

Center for Genomic Medicine, Rigshospitalet, Copenhagen University Hospital
Classification: Pathogenic. Last evaluated: 2025-03-04. Review status: criteria provided, single submitter. Criteria: ACMG Guidelines, 2015. Collection method: clinical testing. Allele origin: germline.
Comment: Classification criteria: PM2_supporting, PVS1, PS1, PS4_moderat

Revvity Omics, Revvity
Classification: Pathogenic. Last evaluated: 2024-09-04. Review status: criteria provided, single submitter. Criteria: ACMG Guidelines, 2015. Collection method: clinical testing. Allele origin: germline.

Mayo Clinic Laboratories, Mayo Clinic
Classification: Pathogenic. Last evaluated: 2024-05-28. Review status: criteria provided, single submitter. Criteria: ACMG Guidelines, 2015. Collection method: clinical testing. Allele origin: germline.
Comment: PM2_moderate, PS4_moderate, PVS1

ARUP Laboratories, Molecular Genetics and Genomics, ARUP Laboratories
Classification: Pathogenic. Last evaluated: 2022-03-22. Review status: criteria provided, single submitter. Criteria: ARUP Molecular Germline Variant Investigation Process 2021. Collection method: clinical testing. Allele origin: germline.
Comment: The SPTB c.4873C>T; p.Arg1625Ter variant is reported in the literature in at least three individuals affected with hemolytic anemia and hereditary spherocytosis (Agarwal 2016, Muramatsu 2017, Shen 2019). This variant is absent from general population databases (Exome Variant Server, Genome Aggregation Database), indicating it is not a common polymorphism. This variant induces an early termination codon and is predicted to result in a truncated protein or mRNA subject to nonsense-mediated decay. Based on available information, this variant is considered to be pathogenic. References: Agarwal AM et al. Clinical utility of next-generation sequencing in the diagnosis of hereditary haemolytic anaemias. Br J Haematol. 2016 174:806-814. Muramatsu H et al. Clinical utility of next-generation sequencing for inherited bone marrow failure syndromes. Genet Med. 2017 19:796-802. Shen H et al. Two different pathogenic gene mutations coexisted in the same hereditary spherocytosis family manifested with heterogeneous phenotypes. BMC Med Genet. 2019 20:90.

Jiangsu Institute of Hematology, the First Affiliated Hospital of Soochow University
Classification: Pathogenic for Hereditary spherocytosis type 2. Last evaluated: 2022-03-01. Review status: criteria provided, single submitter. Criteria: ACMG Guidelines, 2015. Collection method: research. Allele origin: inherited. Affected: yes.

Blueprint Genetics
Classification: Pathogenic for SPTB-related disorders. Last evaluated: 2020-05-19. Review status: criteria provided, single submitter. Criteria: ACMG Guidelines, 2015. Collection method: clinical testing. Allele origin: germline. Affected: yes. Observed: 1 variant allele.

PreventionGenetics, part of Exact Sciences
Classification: Pathogenic for SPTB-related condition. Last evaluated: 2023-11-03. Review status: no assertion criteria provided. Collection method: clinical testing. Allele origin: germline. Not counted in ClinVar's aggregate classification.
Comment: The SPTB c.4873C>T variant is predicted to result in premature protein termination (p.Arg1625*). This variant was reported in the heterozygous state in individuals with spherocytosis and hemolytic anemia (Agarwal et al. 2016. PubMed ID: 27292444; Table S1, Muramatsu et al. 2017. PubMed ID: 28102861; Wang et al. 2023. PubMed ID: 36203343). This variant has not been reported in a large population database, indicating this variant is rare. Nonsense variants in SPTB are expected to be pathogenic. This variant is interpreted as pathogenic.

Literature cited by the submitters: PubMed 1391962 (cited by Labcorp Genetics (formerly Invitae), Labcorp); PubMed 1498324 (cited by Labcorp Genetics (formerly Invitae), Labcorp); PubMed 8844207 (cited by Labcorp Genetics (formerly Invitae), Labcorp); PubMed 26830532 (cited by Labcorp Genetics (formerly Invitae), Labcorp); PubMed 27292444 (cited by 3 submitters); PubMed 28102861 (cited by Labcorp Genetics (formerly Invitae), Labcorp and Mayo Clinic Laboratories, Mayo Clinic); PubMed 31122244 (cited by Labcorp Genetics (formerly Invitae), Labcorp and Mayo Clinic Laboratories, Mayo Clinic); PubMed 31126250 (cited by 3 submitters); PubMed 33014018 (cited by Mayo Clinic Laboratories, Mayo Clinic); PubMed 33868383 (cited by Mayo Clinic Laboratories, Mayo Clinic); PubMed 34182956 (cited by Mayo Clinic Laboratories, Mayo Clinic); PubMed 36203343 (cited by Mayo Clinic Laboratories, Mayo Clinic); PubMed 38069343 (cited by Mayo Clinic Laboratories, Mayo Clinic).